The following is an entry in ClinVar:

NM_000284.4(PDHA1):c.927dup (p.Val310fs)

Gene: PDHA1 (pyruvate dehydrogenase E1 subunit alpha 1; plus strand). Cytogenetic location: Xp22.12.
Variant type: Duplication.
Coding change: c.927dup on transcript NM_000284.4 (MANE Select); coding-DNA position 927, one base duplicated (A; older notation c.927dupA).
Protein change: p.Val310fs; shifts the reading frame from valine 310.
Molecular consequence: frameshift variant.
Genome position (GRCh38, 1-based): chrX:19,358,943, A duplicated; the last of 2 consecutive A bases (chrX:19,358,942-19,358,943); duplicating either gives the same sequence. VCF-style (leftmost placement, unchanged base first): chrX-19358941-G-GA. GRCh37 (hg19) VCF-style: chrX-19377059-G-GA.
Other names: c.1041dup, p.Val348fs (NM_001173454.2); c.948dup, p.Val317fs (NM_001173455.2); c.834dup, p.Val279fs (NM_001173456.2); short protein forms V279fs, V310fs, V317fs, V348fs.
Identifiers: ClinVar variation 4070402 (VCV004070402.1).
Genomic context (GRCh38, chrX:19,358,941, plus strand): 5'-CTTACTGATCGATTACTACTTTTCCCTCCCCATAGTTACCGTACACGAGAAGAAATTCAG[G>GA]AAGTAAGAAGTAAGAGTGACCCTATTATGCTTCTCAAGGACAGGATGGTGAACAGCAATC-3'

ClinVar aggregate classification (germline): Pathogenic (0 of 4 stars; one submission).

Conditions:
Pyruvate dehydrogenase E1-alpha deficiency (PDHAD). Also called: ATAXIA, INTERMITTENT, WITH PYRUVATE DEHYDROGENASE DEFICIENCY; ATAXIA WITH LACTIC ACIDOSIS I; ATAXIA, INTERMITTENT, WITH ABNORMAL PYRUVATE METABOLISM; Ataxia, intermittent, with pyruvate dehydrogenase, or decarboxylase, deficiency. Identifiers: Orphanet 79243, MedGen C1839413, MONDO:0010717, OMIM 312170.

Submission:

PDHA1 Study Group, University Children’s Hospital, Paracelsus Medical University
Classification: Pathogenic for Pyruvate dehydrogenase E1-alpha deficiency. Last evaluated: 2024-10-15. Review status: no assertion criteria provided. Collection method: research. Allele origin: de novo. Affected: yes. Observed: 1 variant allele.
Comment: The NM_000284.3:c.927dup (p.Val310SerfsTer4) change is a frameshift variant in PDHA1 gene. This variant is predicted to result in nonsense-mediated decay (NMD). Among them, 1 case had confirmed de novo occurrence. The variant has been reported in 1 published case (PMIDs: 16713755). Last literature search: July 12, 2024. This variant is absent or extremely rare in population-based cohorts in the Genome Aggregation Database (gnomAD). Individuals harboring this variant presented with clinical features compatible with PDHA1-related PDHc deficiency. In summary, this variant meets criteria to be classified as pathogenic (P) for PDHA1-related PDHc deficiency based on the ACMG/AMP criteria applied: PVS1, PS2, PM2, PM7 (last assessment October 15, 2024).

Literature cited by the submitters: PubMed 16713755; DOI 10.1093/brain/awaf430.